The following is an entry in ClinVar:

NM_006348.5(COG5):c.1541C>T (p.Thr514Ile)

Gene: COG5 (component of oligomeric golgi complex 5; minus strand). Cytogenetic location: 7q22.3.
Variant type: single nucleotide variant.
Coding change: c.1541C>T on transcript NM_006348.5 (MANE Select); coding-DNA position 1541, C replaced by T.
Protein change: p.Thr514Ile; replaces threonine 514 with isoleucine.
Molecular consequence: missense variant.
Genome position (GRCh38, 1-based): chr7:107,281,334, G>A on the plus strand (C>T on the coding strand, the complement: COG5 is on the minus strand). VCF-style: chr7-107281334-G-A. GRCh37 (hg19) VCF-style: chr7-106921779-G-A.
Other names: c.1541C>T, p.Thr514Ile (NM_001161520.2, NM_001379512.1, NM_001379513.1 and 2 more transcripts); c.1379C>T, p.Thr460Ile (NM_001379511.1); c.971C>T, p.Thr324Ile (NM_001379515.1); c.827C>T, p.Thr276Ile (NM_001379516.1); short protein forms T324I, T514I, T460I, T276I.
Identifiers: ClinVar variation 1404586 (VCV001404586.3), dbSNP rs2116796211, ClinGen allele CA368937871.

ClinVar aggregate classification (germline): Uncertain significance (1 of 4 stars; one submission).

Conditions:
COG5-congenital disorder of glycosylation. Also called: CONGENITAL DISORDER OF GLYCOSYLATION, TYPE IIi; CDG IIi; COG5-CDG. Identifiers: Orphanet 263487, MedGen C3150876, MONDO:0013325, OMIM 613612.

Submission:

Labcorp Genetics (formerly Invitae), Labcorp
Classification: Uncertain significance for COG5-congenital disorder of glycosylation. Last evaluated: 2021-11-18. Review status: criteria provided, single submitter. Criteria: Invitae Variant Classification Sherloc (09022015). Collection method: clinical testing. Allele origin: germline.
Comment: This sequence change replaces threonine, which is neutral and polar, with isoleucine, which is neutral and non-polar, at codon 545 of the COG5 protein (p.Thr545Ile). This variant is not present in population databases (gnomAD no frequency). This variant has not been reported in the literature in individuals affected with COG5-related conditions. Algorithms developed to predict the effect of missense changes on protein structure and function are either unavailable or do not agree on the potential impact of this missense change (SIFT: "Tolerated"; PolyPhen-2: "Possibly Damaging"; Align-GVGD: "Class C0"). In summary, the available evidence is currently insufficient to determine the role of this variant in disease. Therefore, it has been classified as a Variant of Uncertain Significance.